The following is an entry in ClinVar:

ClinVar aggregate classification (germline): Uncertain significance (1 of 4 stars; one submission).

Allele frequency attached by ClinVar (database versions not stated): gnomAD exomes 0.00004; ESP Exome Variant Server 0.00008; ExAC 0.00015.
gnomAD v4.1: 18 of 1,550,666 alleles (0.0012%); highest among the groups gnomAD compares: Admixed American, 0.0098%; no homozygotes.

Submission:

GeneDx
Classification: Uncertain significance. Last evaluated: 2020-03-04. Review status: criteria provided, single submitter. Criteria: GeneDx Variant Classification Process June 2021. Collection method: clinical testing. Allele origin: germline. Affected: yes.
Comment: In silico analysis supports that this missense variant does not alter protein structure/function; Has not been previously published as pathogenic or benign to our knowledge

NM_001127198.5(TMC6):c.281G>A (p.Arg94Gln)

Gene: TMC6 (transmembrane channel like 6; minus strand). Cytogenetic location: 17q25.3.
Variant type: single nucleotide variant.
Coding change: c.281G>A on transcript NM_001127198.5 (MANE Select); coding-DNA position 281, G replaced by A.
Protein change: p.Arg94Gln; replaces arginine 94 with glutamine.
Molecular consequence: missense variant. On other transcripts: non-coding transcript variant (4).
Genome position (GRCh38, 1-based): chr17:78,125,875, C>T on the plus strand (G>A on the coding strand, the complement: TMC6 is on the minus strand). VCF-style: chr17-78125875-C-T. GRCh37 (hg19) VCF-style: chr17-76121956-C-T.
Other names: c.281G>A, p.Arg94Gln (NM_001321185.1, NM_001374593.1, NM_001374594.1 and 4 more transcripts); short protein forms R94Q.
Identifiers: ClinVar variation 1313451 (VCV001313451.2), dbSNP rs199813788, ClinGen allele CA8796173.